The following is an entry in ClinVar:

ClinVar aggregate classification (germline): Likely benign. Review status: criteria provided, single submitter (1 of 4 stars). 2 submissions from 2 submitters: Likely benign (1). 1 of the submissions does not count toward it. Last evaluated 2025-05-07.

Conditions:
NPC1-related disorder. Also called: NPC1-related condition.
Niemann-Pick disease, type C1. Also called: NEUROVISCERAL STORAGE DISEASE WITH VERTICAL SUPRANUCLEAR OPHTHALMOPLEGIA; NIEMANN-PICK DISEASE WITH CHOLESTEROL ESTERIFICATION BLOCK; NIEMANN-PICK DISEASE WITHOUT SPHINGOMYELINASE DEFICIENCY; NIEMANN-PICK DISEASE, CHRONIC NEURONOPATHIC FORM; NIEMANN-PICK DISEASE, VARIANT TYPE C1. Identifiers: Orphanet 646, MedGen C3179455, MONDO:0009757, OMIM 257220.

Allele frequency attached by ClinVar (database versions not stated): gnomAD exomes below 0.00001 and 0.00001; ExAC 0.00002; gnomAD 0.00004; TOPMed 0.00004; ESP Exome Variant Server 0.00015.
gnomAD v4.1: 8 of 1,614,086 alleles (0.0005%); highest among the groups gnomAD compares: African/African-American, 0.011%; no homozygotes.

Submissions (2):

Labcorp Genetics (formerly Invitae), Labcorp
Classification: Likely benign for Niemann-Pick disease, type C1. Last evaluated: 2025-05-07. Review status: criteria provided, single submitter. Criteria: Invitae Variant Classification Sherloc (09022015). Collection method: clinical testing. Allele origin: germline.

PreventionGenetics, part of Exact Sciences
Classification: Likely benign for NPC1-related condition. Last evaluated: 2021-11-12. Review status: no assertion criteria provided. Collection method: clinical testing. Allele origin: germline. Not counted in ClinVar's aggregate classification.
Comment: This variant is classified as likely benign based on ACMG/AMP sequence variant interpretation guidelines (Richards et al. 2015 PMID: 25741868, with internal and published modifications).

NM_000271.5(NPC1):c.2352G>C (p.Gly784=)

Gene: NPC1 (NPC intracellular cholesterol transporter 1; minus strand). Cytogenetic location: 18q11.2.
Variant type: single nucleotide variant.
Coding change: c.2352G>C on transcript NM_000271.5 (MANE Select); coding-DNA position 2352, G replaced by C.
Protein change: p.Gly784=; no amino-acid change (glycine 784 retained).
Molecular consequence: synonymous variant.
Genome position (GRCh38, 1-based): chr18:23,541,327, C>G on the plus strand (G>C on the coding strand, the complement: NPC1 is on the minus strand). VCF-style: chr18-23541327-C-G. GRCh37 (hg19) VCF-style: chr18-21121291-C-G.
Other names: c.2352G>C (NM_000271.4).
Identifiers: ClinVar variation 1611963 (VCV001611963.9), dbSNP rs140103678, ClinGen allele CA8913138.